The following is an entry in ClinVar:

ClinVar aggregate classification (germline): Uncertain significance (1 of 4 stars; one submission).

Allele frequency attached by ClinVar (database versions not stated): gnomAD exomes below 0.00001.

Submission:

Labcorp Genetics (formerly Invitae), Labcorp
Classification: Uncertain significance. Last evaluated: 2022-06-11. Review status: criteria provided, single submitter. Criteria: Invitae Variant Classification Sherloc (09022015). Collection method: clinical testing. Allele origin: germline.
Comment: In summary, the available evidence is currently insufficient to determine the role of this variant in disease. Therefore, it has been classified as a Variant of Uncertain Significance. Algorithms developed to predict the effect of missense changes on protein structure and function output the following: SIFT: "Deleterious"; PolyPhen-2: "Probably Damaging"; Align-GVGD: "Class C0". The glutamic acid amino acid residue is found in multiple mammalian species, which suggests that this missense change does not adversely affect protein function. This variant has not been reported in the literature in individuals affected with ATOH7-related conditions. This variant is not present in population databases (gnomAD no frequency). This sequence change replaces glycine, which is neutral and non-polar, with glutamic acid, which is acidic and polar, at codon 12 of the ATOH7 protein (p.Gly12Glu).

NM_145178.4(ATOH7):c.35G>A (p.Gly12Glu)

Genes: ATOH7 (atonal bHLH transcription factor 7; minus strand), LOC130003943 (ATAC-STARR-seq lymphoblastoid silent region 2418; plus strand). Cytogenetic location: 10q21.3.
Variant type: single nucleotide variant.
Coding change: c.35G>A on transcript NM_145178.4 (MANE Select); coding-DNA position 35, G replaced by A.
Protein change: p.Gly12Glu; replaces glycine 12 with glutamic acid.
Molecular consequence: missense variant.
Genome position (GRCh38, 1-based): chr10:68,231,643, C>T on the plus strand (G>A on the coding strand, the complement: ATOH7 is on the minus strand). VCF-style: chr10-68231643-C-T. GRCh37 (hg19) VCF-style: chr10-69991400-C-T.
Other names: short protein forms G12E.
Identifiers: ClinVar variation 2044902 (VCV002044902.4), dbSNP rs2492043733, ClinGen allele CA376837866.